The following is an entry in ClinVar:

ClinVar aggregate classification (germline): Pathogenic (1 of 4 stars; one submission).

Submission:

Quest Diagnostics Nichols Institute San Juan Capistrano
Classification: Pathogenic. Last evaluated: 2024-10-13. Review status: criteria provided, single submitter. Criteria: ACMG/ClinGen CNV Guidelines, 2019. Collection method: clinical testing. Allele origin: unknown.
Comment: This deletion involves at least 10 protein-coding genes, including RUNX1 (OMIM 151385). Haploinsufficiency of RUNX1 is associated with autosomal dominant familial platelet disorder with associated myeloid malignancy (FPDMM or FPD/AML) (OMIM 601399; OMIM 601626; ClinGen CCID:007794). There are no similar copy number losses of this region in the general populations of the Database of Genomic Variants (DGV). Therefore, based on gene content and current medical literature, this copy number variant (CNV) is classified as pathogenic.

GRCh37/hg19 21q22.11-22.12(chr21:35298071-36876005)x1

Genes: CLIC6 (chloride intracellular channel 6; plus strand), KCNE1 (potassium voltage-gated channel subfamily E regulatory subunit 1; minus strand), KCNE2 (potassium voltage-gated channel subfamily E regulatory subunit 2; plus strand), MRPS6 (mitochondrial ribosomal protein S6; plus strand), RCAN1 (regulator of calcineurin 1; minus strand) and 3 more. Cytogenetic location: 21q22.11-22.12.
Variant type: copy number loss.
Change: copy number 1 (one copy instead of two) of chr21:35,298,071-36,876,005 (1.58 Mb, GRCh37 coordinates, 1-based), cytogenetic band 21q22.11-22.12.
Identifiers: ClinVar variation 4682976 (VCV004682976.1).